The following is an entry in ClinVar:

NM_024809.5(TCTN2):c.707G>A (p.Cys236Tyr)

Gene: TCTN2 (tectonic family member 2; plus strand). Cytogenetic location: 12q24.31.
Variant type: single nucleotide variant.
Coding change: c.707G>A on transcript NM_024809.5 (MANE Select); coding-DNA position 707, G replaced by A.
Protein change: p.Cys236Tyr; replaces cysteine 236 with tyrosine.
Molecular consequence: missense variant.
Genome position (GRCh38, 1-based): chr12:123,686,978, G>A. VCF-style: chr12-123686978-G-A. GRCh37 (hg19) VCF-style: chr12-124171525-G-A.
Other names: c.704G>A, p.Cys235Tyr (NM_001143850.3); short protein forms C235Y, C236Y.
Identifiers: ClinVar variation 1350553 (VCV001350553.8), dbSNP rs1267166699, ClinGen allele CA387162027.

ClinVar aggregate classification (germline): Uncertain significance. Review status: criteria provided, multiple submitters, no conflicts (2 of 4 stars). 2 submissions from 2 submitters: Uncertain significance (2). Last evaluated 2024-02-24.

Conditions:
Joubert syndrome. Also called: Familial aplasia of the vermis; JOUBERT-BOLTSHAUSER SYNDROME. Identifiers: Orphanet 475, MedGen C5979921, MONDO:0018772.
Meckel-Gruber syndrome. Also called: GRUBER SYNDROME; Dysencephalia splachnocystica; DYSENCEPHALIA SPLANCHNOCYSTICA. Identifiers: Orphanet 564, MedGen C0265215, MONDO:0018921.

Allele frequency attached by ClinVar (database versions not stated): gnomAD 0.00001; gnomAD exomes 0.00001 and 0.00002; TOPMed 0.00001.
gnomAD v4.1: 28 of 1,614,020 alleles (0.0017%); highest among the groups gnomAD compares: Non-Finnish European, 0.0023%; no homozygotes.

Submissions (2):

Labcorp Genetics (formerly Invitae), Labcorp
Classification: Uncertain significance for Joubert syndrome; Meckel-Gruber syndrome. Last evaluated: 2024-02-24. Review status: criteria provided, single submitter. Criteria: Invitae Variant Classification Sherloc (09022015). Collection method: clinical testing. Allele origin: germline.
Comment: This sequence change replaces cysteine, which is neutral and slightly polar, with tyrosine, which is neutral and polar, at codon 236 of the TCTN2 protein (p.Cys236Tyr). This variant is present in population databases (no rsID available, gnomAD 0.003%). This variant has not been reported in the literature in individuals affected with TCTN2-related conditions. ClinVar contains an entry for this variant (Variation ID: 1350553). Advanced modeling of protein sequence and biophysical properties (such as structural, functional, and spatial information, amino acid conservation, physicochemical variation, residue mobility, and thermodynamic stability) performed at Invitae indicates that this missense variant is expected to disrupt TCTN2 protein function with a positive predictive value of 80%. Algorithms developed to predict the effect of sequence changes on RNA splicing suggest that this variant may create or strengthen a splice site. In summary, the available evidence is currently insufficient to determine the role of this variant in disease. Therefore, it has been classified as a Variant of Uncertain Significance.

Blueprint Genetics
Classification: Uncertain significance. Last evaluated: 2019-03-14. Review status: criteria provided, single submitter. Criteria: ACMG Guidelines, 2015. Collection method: clinical testing. Allele origin: germline.